The following is an entry in ClinVar:

NM_020347.4(LZTFL1):c.233A>G (p.Tyr78Cys)

Gene: LZTFL1 (leucine zipper transcription factor like 1; minus strand). Cytogenetic location: 3p21.31.
Variant type: single nucleotide variant.
Coding change: c.233A>G on transcript NM_020347.4 (MANE Select); coding-DNA position 233, A replaced by G.
Protein change: p.Tyr78Cys; replaces tyrosine 78 with cysteine.
Molecular consequence: missense variant. On other transcripts: non-coding transcript variant (1).
Genome position (GRCh38, 1-based): chr3:45,835,680, T>C on the plus strand (A>G on the coding strand, the complement: LZTFL1 is on the minus strand). VCF-style: chr3-45835680-T-C. GRCh37 (hg19) VCF-style: chr3-45877172-T-C.
Other names: c.233A>G (NM_020347.3); c.182A>G, p.Tyr61Cys (NM_001276378.2, NM_001386451.1); c.221A>G, p.Tyr74Cys (NM_001276379.2); c.233A>G, p.Tyr78Cys (NM_001386452.1); short protein forms Y74C, Y78C, Y61C.
Identifiers: ClinVar variation 1387354 (VCV001387354.7), dbSNP rs899353231, ClinGen allele CA73638866.

ClinVar aggregate classification (germline): Uncertain significance. Review status: criteria provided, single submitter (1 of 4 stars). 2 submissions from 2 submitters: Uncertain significance (1). 1 of the submissions does not count toward it. Last evaluated 2022-10-17.

Conditions:
LZTFL1-related disorder. Also called: LZTFL1-related condition.

Allele frequency attached by ClinVar (database versions not stated): gnomAD exomes below 0.00001.
gnomAD v4.1: 5 of 1,614,002 alleles (0.00031%); highest among the groups gnomAD compares: Non-Finnish European, 0.00042%; no homozygotes.

Submissions (2):

Labcorp Genetics (formerly Invitae), Labcorp
Classification: Uncertain significance. Last evaluated: 2022-10-17. Review status: criteria provided, single submitter. Criteria: Invitae Variant Classification Sherloc (09022015). Collection method: clinical testing. Allele origin: germline.
Comment: Advanced modeling of protein sequence and biophysical properties (such as structural, functional, and spatial information, amino acid conservation, physicochemical variation, residue mobility, and thermodynamic stability) performed at Invitae indicates that this missense variant is not expected to disrupt LZTFL1 protein function. This sequence change replaces tyrosine, which is neutral and polar, with cysteine, which is neutral and slightly polar, at codon 78 of the LZTFL1 protein (p.Tyr78Cys). This variant is not present in population databases (gnomAD no frequency). This variant has not been reported in the literature in individuals affected with LZTFL1-related conditions. ClinVar contains an entry for this variant (Variation ID: 1387354). In summary, the available evidence is currently insufficient to determine the role of this variant in disease. Therefore, it has been classified as a Variant of Uncertain Significance.

PreventionGenetics, part of Exact Sciences
Classification: Uncertain significance for LZTFL1-related condition. Last evaluated: 2024-05-27. Review status: no assertion criteria provided. Collection method: clinical testing. Allele origin: germline. Not counted in ClinVar's aggregate classification.
Comment: The LZTFL1 c.233A>G variant is predicted to result in the amino acid substitution p.Tyr78Cys. To our knowledge, this variant has not been reported in the literature or in a large population database, indicating this variant is rare. At this time, the clinical significance of this variant is uncertain due to the absence of conclusive functional and genetic evidence.